The following is an entry in ClinVar:

NM_000540.3(RYR1):c.5024T>C (p.Leu1675Pro)

Gene: RYR1 (ryanodine receptor 1; plus strand). Cytogenetic location: 19q13.2.
Variant type: single nucleotide variant.
Coding change: c.5024T>C on transcript NM_000540.3 (MANE Select); coding-DNA position 5024, T replaced by C.
Protein change: p.Leu1675Pro; replaces leucine 1675 with proline.
Molecular consequence: missense variant.
Genome position (GRCh38, 1-based): chr19:38,485,679, T>C. VCF-style: chr19-38485679-T-C. GRCh37 (hg19) VCF-style: chr19-38976319-T-C.
Other names: NM_001042723.2:c.5024T>C; c.5024T>C, p.Leu1675Pro (NM_001042723.2); short protein forms L1675P.
Identifiers: ClinVar variation 1213825 (VCV001213825.3), dbSNP rs2145542250, ClinGen allele CA405653178.

ClinVar aggregate classification (germline): Uncertain significance (3 of 4 stars; one submission).

Conditions:
Malignant hyperthermia of anesthesia. Also called: Anesthesic-triggered malignant hyperthermia. Identifiers: Orphanet 423, MedGen C0024591, MONDO:0018493, HP:0034733.

Submission:

ClinGen Malignant Hyperthermia Susceptibility Variant Curation Expert Panel, ClinGen
Classification: Uncertain significance for Malignant hyperthermia of anesthesia. Last evaluated: 2025-08-01. Review status: reviewed by expert panel. Criteria: ClinGen MHS ACMG Specifications V2. Collection method: curation. Allele origin: germline. Inheritance: Autosomal dominant inheritance.
Comment: This pathogenicity assessment is relevant only for malignant hyperthermia susceptibility (MHS) inherited in an autosomal dominant pattern. Variants in RYR1 can also cause other myopathies inherited in an autosomal dominant pattern or in an autosomal recessive pattern. Some of these disorders may predispose individuals to malignant hyperthermia. RYR1 variants may also contribute to a malignant hyperthermia reaction in combination with other genetic and non-genetic factors and the clinician needs to consider such factors in making management decisions. This sequence variant predicts a substitution of leucine with proline at codon 1675 of the RYR1 protein, p.(Leu1675Pro). This variant was not present in a large population database (gnomAD) at the time this variant was interpreted. This variant has been reported in three unrelated individuals who have a personal or family history of a malignant hyperthermia reaction; three of these individuals had a positive in vitro contracture test (IVCT) or caffeine halothane contracture test (CHCT) result (if the proband was unavailable for testing, a positive diagnostic test result in a mutation-positive relative was counted), PS4_Moderate (PMID:30236257). No functional studies were identified for this variant. This variant does not reside in a hotspot for pathogenic variants that contribute to MHS. A REVEL score of 0.798 supports neither a pathogenic nor a benign status for this variant.This variant has been classified as a Variant of Unknown Significance. Criteria implemented: PS4_Moderate.